The following is an entry in ClinVar:

NC_000005.9:g.(?_131926906)_(131927736_?)del

Gene: RAD50 (RAD50 double strand break repair protein; plus strand). Cytogenetic location: 5q31.1.
Variant type: Deletion.
Identifiers: ClinVar variation 2425406 (VCV002425406.4).

ClinVar aggregate classification (germline): Pathogenic (1 of 4 stars; one submission).

Conditions:
Hereditary cancer-predisposing syndrome. Also called: Hereditary Cancer Syndrome; Tumor predisposition; Neoplastic Syndromes, Hereditary; Hereditary neoplastic syndrome. Identifiers: Orphanet 140162, MedGen C0027672, MeSH D009386, MONDO:0015356.

Submission:

Labcorp Genetics (formerly Invitae), Labcorp
Classification: Pathogenic for Hereditary cancer-predisposing syndrome. Last evaluated: 2021-10-29. Review status: criteria provided, single submitter. Criteria: Invitae Variant Classification Sherloc (09022015). Collection method: clinical testing. Allele origin: germline.
Comment: For these reasons, this variant has been classified as Pathogenic. This variant has not been reported in the literature in individuals affected with RAD50-related conditions. This variant is a gross deletion of the genomic region encompassing exon(s) 10-11 of the RAD50 gene. This deletion is out-of-frame, and is expected to create a premature termination codon and result in an absent or disrupted protein product. Loss-of-function variants in RAD50 are known to be pathogenic (PMID: 19409520).

Literature cited by the submitters: PubMed 19409520.